The following is an entry in ClinVar:

ClinVar aggregate classification (germline): Pathogenic/Likely pathogenic. Review status: criteria provided, multiple submitters, no conflicts (2 of 4 stars). 4 submissions from 4 submitters: Pathogenic (1); Likely pathogenic (1). 2 of the submissions do not count toward it. Last evaluated 2026-01-19.

Conditions:
GUCY2D-related disorders.
Cone-rod dystrophy 6 (CORD6). Also called: RETINAL CONE DYSTROPHY 2; Cone dystrophy progressive. Identifiers: Orphanet 1872, MedGen C1866293, MONDO:0011143, OMIM 601777.
Leber congenital amaurosis 1 (LCA1). Also called: AMAUROSIS CONGENITA OF LEBER I; RETINAL BLINDNESS, CONGENITAL; Congenital absence of the rods and cones; Leber's congenital tapetoretinal degeneration; Leber's congenital tapetoretinal dysplasia. Identifiers: Orphanet 65, MedGen C2931258, MONDO:0008764, OMIM 204000.

Submissions (4):

Labcorp Genetics (formerly Invitae), Labcorp
Classification: Pathogenic for Leber congenital amaurosis 1; Cone-rod dystrophy 6. Last evaluated: 2026-01-19. Review status: criteria provided, single submitter. Criteria: Invitae Variant Classification Sherloc (09022015). Collection method: clinical testing. Allele origin: germline.
Comment: This sequence change creates a premature translational stop signal (p.His967Ilefs*11) in the GUCY2D gene. It is expected to result in an absent or disrupted protein product. Loss-of-function variants in GUCY2D are known to be pathogenic (PMID: 10951519, 11328726). This variant is present in population databases (rs751295073, gnomAD 0.0009%). This variant has not been reported in the literature in individuals affected with GUCY2D-related conditions. ClinVar contains an entry for this variant (Variation ID: 98579). Algorithms developed to predict the effect of sequence changes on RNA splicing suggest that this variant may disrupt the consensus splice site. For these reasons, this variant has been classified as Pathogenic.

Blueprint Genetics
Classification: Likely pathogenic for GUCY2D-related disorders. Last evaluated: 2022-06-20. Review status: criteria provided, single submitter. Criteria: ACMG Guidelines, 2015. Collection method: clinical testing. Allele origin: germline. Affected: yes. Observed: 2 variant alleles.

Laboratory of Genetics in Ophthalmology, Institut Imagine
Classification: Pathogenic for Leber congenital amaurosis 1. Review status: no assertion criteria provided. Collection method: research. Allele origin: inherited. Affected: yes. Observed: 1 variant allele. Not counted in ClinVar's aggregate classification.

Retina International
No classification provided. Review status: no classification provided. Collection method: not provided. Allele origin: not provided. Not counted in ClinVar's aggregate classification.

Literature cited by the submitters: PubMed 10951519 (cited by Labcorp Genetics (formerly Invitae), Labcorp); PubMed 11328726 (cited by Labcorp Genetics (formerly Invitae), Labcorp); PubMed 10766140 (cited by Laboratory of Genetics in Ophthalmology, Institut Imagine).

NM_000180.4(GUCY2D):c.2899del (p.His967fs)

Gene: GUCY2D (guanylate cyclase 2D, retinal; plus strand). Cytogenetic location: 17p13.1.
Variant type: Deletion.
Coding change: c.2899del on transcript NM_000180.4 (MANE Select); coding-DNA position 2899, one base deleted (C; older notation c.2899delC).
Protein change: p.His967fs; shifts the reading frame from histidine 967.
Molecular consequence: frameshift variant.
Genome position (GRCh38, 1-based): chr17:8,015,457, C deleted; the last of 2 consecutive C bases (chr17:8,015,456-8,015,457); deleting either gives the same sequence. VCF-style (leftmost placement, unchanged base first): chr17-8015455-GC-G. GRCh37 (hg19) VCF-style: chr17-7918773-GC-G.
Other names: c.2899delC (NM_000180.3); short protein forms H967fs.
Identifiers: ClinVar variation 98579 (VCV000098579.10), dbSNP rs61750183, ClinGen allele CA226104.